The following is an entry in ClinVar:

ClinVar aggregate classification (germline): Uncertain significance (1 of 4 stars; one submission).

Submission:

GeneDx
Classification: Uncertain significance. Last evaluated: 2019-10-02. Review status: criteria provided, single submitter. Criteria: GeneDx Variant Classification Process June 2021. Collection method: clinical testing. Allele origin: germline. Affected: yes.
Comment: Not observed in large population cohorts (Lek et al., 2016); In silico analysis, which includes protein predictors and evolutionary conservation, supports that this variant does not alter protein structure/function; Has not been previously published as pathogenic or benign to our knowledge

NM_003179.3(SYP):c.886G>A (p.Gly296Arg)

Gene: SYP (synaptophysin; minus strand). Cytogenetic location: Xp11.23.
Variant type: single nucleotide variant.
Coding change: c.886G>A on transcript NM_003179.3 (MANE Select); coding-DNA position 886, G replaced by A.
Protein change: p.Gly296Arg; replaces glycine 296 with arginine.
Molecular consequence: missense variant.
Genome position (GRCh38, 1-based): chrX:49,191,493, C>T on the plus strand (G>A on the coding strand, the complement: SYP is on the minus strand). VCF-style: chrX-49191493-C-T. GRCh37 (hg19) VCF-style: chrX-49047950-C-T.
Other names: short protein forms G296R.
Identifiers: ClinVar variation 1308745 (VCV001308745.2), dbSNP rs2147881081, ClinGen allele CA412951739.